The following is an entry in ClinVar:

ClinVar aggregate classification (germline): Likely benign. Review status: criteria provided, single submitter (1 of 4 stars). 2 submissions from 2 submitters: Likely benign (1). 1 of the submissions does not count toward it. Last evaluated 2025-12-26.

Conditions:
CKAP2L-related disorder. Also called: CKAP2L-related condition.

Submissions (2):

Labcorp Genetics (formerly Invitae), Labcorp
Classification: Likely benign. Last evaluated: 2025-12-26. Review status: criteria provided, single submitter. Criteria: Invitae Variant Classification Sherloc (09022015). Collection method: clinical testing. Allele origin: germline.

PreventionGenetics, part of Exact Sciences
Classification: Likely benign for CKAP2L-related condition. Last evaluated: 2020-03-03. Review status: no assertion criteria provided. Collection method: clinical testing. Allele origin: germline. Not counted in ClinVar's aggregate classification.
Comment: This variant is classified as likely benign based on ACMG/AMP sequence variant interpretation guidelines (Richards et al. 2015 PMID: 25741868, with internal and published modifications).

NM_152515.5(CKAP2L):c.1759-14TTCC[4]

Genes: CKAP2L (cytoskeleton associated protein 2L; minus strand), NT5DC4 (5'-nucleotidase domain containing 4; plus strand). Cytogenetic location: 2q14.1.
Variant type: Microsatellite.
Coding change: c.1759-14TTCC[4] on transcript NM_152515.5 (MANE Select); four copies in a row of the 4-base unit TTCC starting at c.1759-14; the reference has three copies in a row; one copy, 4 bases duplicated.
Molecular consequence: intron variant. On other transcripts: 3 prime UTR variant (1).
Genome position (GRCh38, 1-based): chr2:112,742,772-112,742,775, GGAA duplicated on the plus strand (TTCC on the coding strand, the reverse complement: CKAP2L is on the minus strand); duplicating any 4 consecutive bases within chr2:112,742,772-112,742,784 gives the same sequence; the position shown is the placement nearest the transcript's 3' end. VCF-style (leftmost placement, unchanged base first): chr2-112742771-T-TGGAA. GRCh37 (hg19) VCF-style: chr2-113500348-T-TGGAA.
Other names: c.*323GAAG[4] (NM_001350494.2); c.1264-14TTCC[4] (NM_001304361.2).
Identifiers: ClinVar variation 3057872 (VCV003057872.2), dbSNP rs745636964, ClinGen allele CA1836564.